The following is an entry in ClinVar:

NM_006031.6(PCNT):c.3061C>T (p.Arg1021Trp)

Gene: PCNT (pericentrin; plus strand). Cytogenetic location: 21q22.3.
Variant type: single nucleotide variant.
Coding change: c.3061C>T on transcript NM_006031.6 (MANE Select); coding-DNA position 3061, C replaced by T.
Protein change: p.Arg1021Trp; replaces arginine 1021 with tryptophan.
Molecular consequence: missense variant.
Genome position (GRCh38, 1-based): chr21:46,367,035, C>T. VCF-style: chr21-46367035-C-T. GRCh37 (hg19) VCF-style: chr21-47786950-C-T.
Other names: c.2707C>T, p.Arg903Trp (NM_001315529.2); short protein forms R1021W, R903W.
Identifiers: ClinVar variation 436188 (VCV000436188.15), dbSNP rs138361417, ClinGen allele CA10079161.

ClinVar aggregate classification (germline): Uncertain significance. Review status: criteria provided, multiple submitters, no conflicts (2 of 4 stars). 4 submissions from 4 submitters: Uncertain significance (3). 1 of the submissions does not count toward it. Last evaluated 2022-04-18.

Conditions:
PCNT-related disorder. Also called: PCNT-related condition.
Microcephalic osteodysplastic primordial dwarfism type II (MOPD2). Also called: MOPD II; OSTEODYSPLASTIC PRIMORDIAL DWARFISM, TYPE II; Microcephalic osteodysplastic primordial dwarfism with tooth abnormalities. Identifiers: Orphanet 2637, MedGen C0432246, MONDO:0008872, OMIM 210720.

Allele frequency attached by ClinVar (database versions not stated): gnomAD 0.00003; TOPMed 0.00004; gnomAD exomes 0.00006 and 0.00007; ExAC 0.00007; ESP Exome Variant Server 0.00023.
gnomAD v4.1: 91 of 1,614,004 alleles (0.0056%); highest among the groups gnomAD compares: Non-Finnish European, 0.0072%; no homozygotes.

Submissions (4):

Labcorp Genetics (formerly Invitae), Labcorp
Classification: Uncertain significance. Last evaluated: 2022-04-18. Review status: criteria provided, single submitter. Criteria: Invitae Variant Classification Sherloc (09022015). Collection method: clinical testing. Allele origin: germline.
Comment: This sequence change replaces arginine, which is basic and polar, with tryptophan, which is neutral and slightly polar, at codon 1021 of the PCNT protein (p.Arg1021Trp). This variant is present in population databases (rs138361417, gnomAD 0.01%). This variant has not been reported in the literature in individuals affected with PCNT-related conditions. ClinVar contains an entry for this variant (Variation ID: 436188). Algorithms developed to predict the effect of missense changes on protein structure and function are either unavailable or do not agree on the potential impact of this missense change (SIFT: "Deleterious"; PolyPhen-2: "Benign"; Align-GVGD: "Class C0"). In summary, the available evidence is currently insufficient to determine the role of this variant in disease. Therefore, it has been classified as a Variant of Uncertain Significance.

ARUP Laboratories, Molecular Genetics and Genomics, ARUP Laboratories
Classification: Uncertain significance for Microcephalic osteodysplastic primordial dwarfism type II. Last evaluated: 2019-05-03. Review status: criteria provided, single submitter. Criteria: ARUP Molecular Germline Variant Investigation Process. Collection method: clinical testing. Allele origin: germline.
Comment: The PCNT c.3061C>T; p.Arg1021Trp variant (rs138361417), to our knowledge, is not described in the medical literature but contains an entry in ClinVar (Variation ID: 436188). It is observed in the general population at an overall frequency of 0.0068% (17/251246 alleles) in the Genome Aggregation Database. The arginine at codon 1021 is weakly conserved, but computational algorithms (PolyPhen-2: benign, SIFT: damaging) predict conflicting effects of this variants on protein structure/function. Due to the lack of clinical and functional data regarding this variant, its clinical significance cannot be determined with certainty.

Genetic Services Laboratory, University of Chicago
Classification: Uncertain significance. Last evaluated: 2015-11-03. Review status: criteria provided, single submitter. Criteria: ACMG Guidelines, 2015. Collection method: clinical testing. Allele origin: germline. Affected: no.

PreventionGenetics, part of Exact Sciences
Classification: Uncertain significance for PCNT-related condition. Last evaluated: 2024-03-01. Review status: no assertion criteria provided. Collection method: clinical testing. Allele origin: germline. Not counted in ClinVar's aggregate classification.
Comment: The PCNT c.3061C>T variant is predicted to result in the amino acid substitution p.Arg1021Trp. To our knowledge, this variant has not been reported in the literature. This variant is reported in 0.012% of alleles in individuals of European (Non-Finnish) descent in gnomAD. At this time, the clinical significance of this variant is uncertain due to the absence of conclusive functional and genetic evidence.